The following is an entry in ClinVar:

NM_181332.3(NLGN4X):c.1418A>G (p.Tyr473Cys)

Gene: NLGN4X (neuroligin 4 X-linked; minus strand). Cytogenetic location: Xp22.32.
Variant type: single nucleotide variant.
Coding change: c.1418A>G on transcript NM_181332.3 (MANE Select); coding-DNA position 1418, A replaced by G.
Protein change: p.Tyr473Cys; replaces tyrosine 473 with cysteine.
Molecular consequence: missense variant.
Genome position (GRCh38, 1-based): chrX:5,903,260, T>C on the plus strand (A>G on the coding strand, the complement: NLGN4X is on the minus strand). VCF-style: chrX-5903260-T-C. GRCh37 (hg19) VCF-style: chrX-5821301-T-C.
Other names: c.1418A>G, p.Tyr473Cys (NM_001282145.2, NM_001282146.2, NM_020742.4); short protein forms Y473C.
Identifiers: ClinVar variation 2673212 (VCV002673212.23), dbSNP rs2518444876, ClinGen allele CA412010435.
Genomic context (GRCh38, chrX:5,903,260, plus strand): 5'-ACCTCATCACCATGGGCCGAATCTGCCCAGCTGGGCTTCATTTCGCTTTGGCAGTGATGA[T>C]AGAAGGCATAGAAGTAGGTGGGGGAGCCGTACTGCGCGTGCAGGTCGGCGGTGGCCACGG-3'
Protein context (NP_851849.1, residues 463-483): YGSPTYFYAF[Tyr473Cys]HHCQSEMKPS

ClinVar aggregate classification (germline): Uncertain significance (1 of 4 stars; one submission).

Allele frequency attached by ClinVar (database versions not stated): gnomAD exomes below 0.00001.
gnomAD v4.1: 1 of 1,211,284 alleles (0.000083%); highest among the groups gnomAD compares: Non-Finnish European, 0.00011%; no homozygotes.

Submission:

CeGaT Center for Human Genetics Tuebingen
Classification: Uncertain significance. Last evaluated: 2023-11-01. Review status: criteria provided, single submitter. Criteria: CeGaT Center For Human Genetics Tuebingen Variant Classification Criteria Version 2. Collection method: clinical testing. Allele origin: germline. Affected: yes. Observed: 1 variant allele.
Comment: NLGN4X: PM2